The following is an entry in ClinVar:

ClinVar aggregate classification (germline): Uncertain significance (1 of 4 stars; one submission).

Allele frequency attached by ClinVar (database versions not stated): gnomAD 0.00001.
gnomAD v4.1: 50 of 1,610,212 alleles (0.0031%); highest among the groups gnomAD compares: Admixed American, 0.005%; no homozygotes.

Submission:

Labcorp Genetics (formerly Invitae), Labcorp
Classification: Uncertain significance. Last evaluated: 2022-06-03. Review status: criteria provided, single submitter. Criteria: Invitae Variant Classification Sherloc (09022015). Collection method: clinical testing. Allele origin: germline.
Comment: This sequence change falls in intron 3 of the MTHFD1 gene. It does not directly change the encoded amino acid sequence of the MTHFD1 protein. It affects a nucleotide within the consensus splice site. This variant is present in population databases (rs750839500, gnomAD 0.01%). This variant has not been reported in the literature in individuals affected with MTHFD1-related conditions. ClinVar contains an entry for this variant (Variation ID: 1382271). Variants that disrupt the consensus splice site are a relatively common cause of aberrant splicing (PMID: 17576681, 9536098). Algorithms developed to predict the effect of sequence changes on RNA splicing suggest that this variant is not likely to affect RNA splicing. In summary, the available evidence is currently insufficient to determine the role of this variant in disease. Therefore, it has been classified as a Variant of Uncertain Significance.

Literature cited by the submitters: PubMed 17576681; PubMed 9536098.

NM_005956.4(MTHFD1):c.186+6G>A

Gene: MTHFD1 (methylenetetrahydrofolate dehydrogenase, cyclohydrolase and formyltetrahydrofolate synthetase 1; plus strand). Cytogenetic location: 14q23.3.
Variant type: single nucleotide variant.
Coding change: c.186+6G>A on transcript NM_005956.4 (MANE Select); 6 bases into the intron after coding-DNA position 186, G replaced by A.
Molecular consequence: intron variant.
Genome position (GRCh38, 1-based): chr14:64,411,155, G>A. VCF-style: chr14-64411155-G-A. GRCh37 (hg19) VCF-style: chr14-64877873-G-A.
Other names: c.186+6G>A (NM_001364837.1).
Identifiers: ClinVar variation 1382271 (VCV001382271.3), dbSNP rs750839500, ClinGen allele CA7225854.
Genomic context (GRCh38, chr14:64,411,155, plus strand): 5'-CAACAGAGATGATTCCAATCTTTATATAAATGTGAAGCTGAAGGCTGCTGAAGAGGTAAC[G>A]CCAGAAGAGCTGTGCCATCACCCTCCCCAACCTCCACCTGGGTCCTATCGATTACCCCTT-3'